The following is an entry in ClinVar:

ClinVar aggregate classification (germline): Uncertain significance. Review status: criteria provided, multiple submitters, no conflicts (2 of 4 stars). 3 submissions from 3 submitters: Uncertain significance (3). Last evaluated 2022-10-07.

Conditions:
Familial thoracic aortic aneurysm and aortic dissection (TAAD). Also called: Thoracic aortic aneurysms and dissections. Identifiers: Orphanet 91387, MedGen C4707243, MONDO:0019625.
HYPERHOMOCYSTEINEMIA, THROMBOTIC, CBS-RELATED. Identifiers: MedGen C3150344, OMIM 236200.

Allele frequency attached by ClinVar (database versions not stated): gnomAD exomes 0.00002; ExAC 0.00003; gnomAD 0.00019; 1000 Genomes Project 0.00040.

Submissions (3):

GeneDx
Classification: Uncertain significance. Last evaluated: 2022-10-07. Review status: criteria provided, single submitter. Criteria: GeneDx Variant Classification Process June 2021. Collection method: clinical testing. Allele origin: germline. Affected: yes.
Comment: Has not been previously published as pathogenic or benign to our knowledge; In silico analysis supports that this missense variant does not alter protein structure/function

Ambry Genetics
Classification: Uncertain significance for Familial thoracic aortic aneurysm and aortic dissection. Last evaluated: 2021-09-16. Review status: criteria provided, single submitter. Criteria: Ambry Variant Classification Scheme 2023. Collection method: clinical testing. Allele origin: germline.
Comment: The p.P2L variant (also known as c.5C>T), located in coding exon 1 of the CBS gene, results from a C to T substitution at nucleotide position 5. The proline at codon 2 is replaced by leucine, an amino acid with similar properties. This amino acid position is well conserved in available vertebrate species. In addition, the in silico prediction for this alteration is inconclusive. Since supporting evidence is limited at this time, the clinical significance of this alteration remains unclear.

Labcorp Genetics (formerly Invitae), Labcorp
Classification: Uncertain significance for HYPERHOMOCYSTEINEMIA, THROMBOTIC, CBS-RELATED. Last evaluated: 2021-08-31. Review status: criteria provided, single submitter. Criteria: Invitae Variant Classification Sherloc (09022015). Collection method: clinical testing. Allele origin: germline.
Comment: This sequence change replaces proline with leucine at codon 2 of the CBS protein (p.Pro2Leu). The proline residue is moderately conserved and there is a moderate physicochemical difference between proline and leucine. This variant is present in population databases (rs546530618, ExAC 0.04%). This variant has not been reported in the literature in individuals affected with CBS-related conditions. ClinVar contains an entry for this variant (Variation ID: 212839). Algorithms developed to predict the effect of missense changes on protein structure and function output the following: SIFT: "Tolerated"; PolyPhen-2: "Benign"; Align-GVGD: "Class C0". The leucine amino acid residue is found in multiple mammalian species, which suggests that this missense change does not adversely affect protein function. In summary, the available evidence is currently insufficient to determine the role of this variant in disease. Therefore, it has been classified as a Variant of Uncertain Significance.

NM_000071.3(CBS):c.5C>T (p.Pro2Leu)

Gene: CBS (cystathionine beta-synthase; minus strand). Cytogenetic location: 21q22.3.
Variant type: single nucleotide variant.
Coding change: c.5C>T on transcript NM_000071.3 (MANE Select); coding-DNA position 5, C replaced by T.
Protein change: p.Pro2Leu; replaces proline 2 with leucine.
Molecular consequence: missense variant.
Genome position (GRCh38, 1-based): chr21:43,072,189, G>A on the plus strand (C>T on the coding strand, the complement: CBS is on the minus strand). VCF-style: chr21-43072189-G-A. GRCh37 (hg19) VCF-style: chr21-44492299-G-A.
Other names: p.P2L:CCT>CTT; c.5C>T, p.Pro2Leu (NM_001178008.3, NM_001178009.3, NM_001320298.2); short protein forms P2L.
Identifiers: ClinVar variation 212839 (VCV000212839.8), dbSNP rs546530618, ClinGen allele CA324871.